The following is an entry in ClinVar:

NM_004562.3(PRKN):c.1286-3C>G

Gene: PRKN (parkin RBR E3 ubiquitin protein ligase; minus strand). Cytogenetic location: 6q26.
Variant type: single nucleotide variant.
Coding change: c.1286-3C>G on transcript NM_004562.3 (MANE Select); 3 bases into the intron before coding-DNA position 1286, C replaced by G.
Molecular consequence: intron variant.
Genome position (GRCh38, 1-based): chr6:161,350,214, G>C on the plus strand (C>G on the coding strand, the complement: PRKN is on the minus strand). VCF-style: chr6-161350214-G-C. GRCh37 (hg19) VCF-style: chr6-161771246-G-C.
Other names: c.839-3C>G (NM_013988.3); c.1202-3C>G (NM_013987.3).
Identifiers: ClinVar variation 2136491 (VCV002136491.4), dbSNP rs765860776, ClinGen allele CA4089947.

ClinVar aggregate classification (germline): Pathogenic (1 of 4 stars; one submission).

Allele frequency attached by ClinVar (database versions not stated): gnomAD exomes below 0.00001; ExAC 0.00001.
gnomAD v4.1: 5 of 1,608,138 alleles (0.00031%); highest among the groups gnomAD compares: Admixed American, 0.0017%; no homozygotes.

Submission:

Labcorp Genetics (formerly Invitae), Labcorp
Classification: Pathogenic. Last evaluated: 2021-12-21. Review status: criteria provided, single submitter. Criteria: Invitae Variant Classification Sherloc (09022015). Collection method: clinical testing. Allele origin: germline.
Comment: For these reasons, this variant has been classified as Pathogenic. Variants that disrupt the consensus splice site are a relatively common cause of aberrant splicing (PMID: 17576681, 9536098). Algorithms developed to predict the effect of sequence changes on RNA splicing suggest that this variant may disrupt the consensus splice site. This variant is also known as IVS11-3C>G. This variant has been observed in individual(s) with Parkinson disease (PMID: 15584030, 27182553). In at least one individual the data is consistent with being in trans (on the opposite chromosome) from a pathogenic variant. It has also been observed to segregate with disease in related individuals. This variant is present in population databases (rs765860776, gnomAD 0.006%). This sequence change falls in intron 11 of the PRKN gene. It does not directly change the encoded amino acid sequence of the PRKN protein. It affects a nucleotide within the consensus splice site.

Literature cited by the submitters: PubMed 17576681; PubMed 9536098; PubMed 15584030; PubMed 27182553.